The following is an entry in ClinVar:

NM_032730.5(RTN4IP1):c.890A>G (p.Tyr297Cys)

Gene: RTN4IP1 (reticulon 4 interacting protein 1; minus strand). Cytogenetic location: 6q21.
Variant type: single nucleotide variant.
Coding change: c.890A>G on transcript NM_032730.5 (MANE Select); coding-DNA position 890, A replaced by G.
Protein change: p.Tyr297Cys; replaces tyrosine 297 with cysteine.
Molecular consequence: missense variant.
Genome position (GRCh38, 1-based): chr6:106,587,779, T>C on the plus strand (A>G on the coding strand, the complement: RTN4IP1 is on the minus strand). VCF-style: chr6-106587779-T-C. GRCh37 (hg19) VCF-style: chr6-107035654-T-C.
Other names: c.590A>G, p.Tyr197Cys (NM_001318746.1); short protein forms Y197C, Y297C.
Identifiers: ClinVar variation 954708 (VCV000954708.9), dbSNP rs749329916, ClinGen allele CA3944338.

ClinVar aggregate classification (germline): Conflicting classifications of pathogenicity. Review status: criteria provided, conflicting classifications (1 of 4 stars). 2 submissions from 2 submitters: Likely pathogenic (1); Uncertain significance (1). Last evaluated 2023-04-18.

Allele frequency attached by ClinVar (database versions not stated): TOPMed 0.00001.
gnomAD v4.1: 32 of 1,613,886 alleles (0.002%); highest among the groups gnomAD compares: African/African-American, 0.0067%; no homozygotes.

Submissions (2):

GeneDx
Classification: Likely pathogenic. Last evaluated: 2023-04-18. Review status: criteria provided, single submitter. Criteria: GeneDx Variant Classification Process June 2021. Collection method: clinical testing. Allele origin: germline. Affected: yes.
Comment: Has not been previously published as pathogenic or benign to our knowledge; In silico analysis supports that this missense variant has a deleterious effect on protein structure/function

Labcorp Genetics (formerly Invitae), Labcorp
Classification: Uncertain significance. Last evaluated: 2022-07-05. Review status: criteria provided, single submitter. Criteria: Invitae Variant Classification Sherloc (09022015). Collection method: clinical testing. Allele origin: germline.
Comment: This variant is present in population databases (rs749329916, gnomAD 0.004%). This sequence change replaces tyrosine, which is neutral and polar, with cysteine, which is neutral and slightly polar, at codon 297 of the RTN4IP1 protein (p.Tyr297Cys). This variant has not been reported in the literature in individuals affected with RTN4IP1-related conditions. ClinVar contains an entry for this variant (Variation ID: 954708). Algorithms developed to predict the effect of missense changes on protein structure and function (SIFT, PolyPhen-2, Align-GVGD) all suggest that this variant is likely to be disruptive. In summary, the available evidence is currently insufficient to determine the role of this variant in disease. Therefore, it has been classified as a Variant of Uncertain Significance.